The following is an entry in ClinVar:

NM_005257.6(GATA6):c.472G>A (p.Gly158Ser)

Gene: GATA6 (GATA binding protein 6; plus strand). Cytogenetic location: 18q11.2.
Variant type: single nucleotide variant.
Coding change: c.472G>A on transcript NM_005257.6 (MANE Select); coding-DNA position 472, G replaced by A.
Protein change: p.Gly158Ser; replaces glycine 158 with serine.
Molecular consequence: missense variant.
Genome position (GRCh38, 1-based): chr18:22,171,616, G>A. VCF-style: chr18-22171616-G-A. GRCh37 (hg19) VCF-style: chr18-19751577-G-A.
Other names: short protein forms G158S.
Identifiers: ClinVar variation 1022541 (VCV001022541.8), dbSNP rs2033048695, ClinGen allele CA401799745.

ClinVar aggregate classification (germline): Uncertain significance (1 of 4 stars; one submission).

Conditions:
Atrioventricular septal defect 5 (AVSD5). Identifiers: MedGen C3280939, MONDO:0013769, OMIM 614474.

Allele frequency attached by ClinVar (database versions not stated): TOPMed below 0.00001; gnomAD 0.00001.
gnomAD v4.1: 3 of 1,598,806 alleles (0.00019%); highest among the groups gnomAD compares: African/African-American, 0.0027%; no homozygotes.

Submission:

Labcorp Genetics (formerly Invitae), Labcorp
Classification: Uncertain significance for Atrioventricular septal defect 5. Last evaluated: 2025-03-15. Review status: criteria provided, single submitter. Criteria: Invitae Variant Classification Sherloc (09022015). Collection method: clinical testing. Allele origin: germline.
Comment: This sequence change replaces glycine, which is neutral and non-polar, with serine, which is neutral and polar, at codon 158 of the GATA6 protein (p.Gly158Ser). This variant is not present in population databases (gnomAD no frequency). This variant has not been reported in the literature in individuals affected with GATA6-related conditions. ClinVar contains an entry for this variant (Variation ID: 1022541). Invitae Evidence Modeling of protein sequence and biophysical properties (such as structural, functional, and spatial information, amino acid conservation, physicochemical variation, residue mobility, and thermodynamic stability) indicates that this missense variant is not expected to disrupt GATA6 protein function with a negative predictive value of 80%. In summary, the available evidence is currently insufficient to determine the role of this variant in disease. Therefore, it has been classified as a Variant of Uncertain Significance.